The following is an entry in ClinVar:

ClinVar aggregate classification (germline): Pathogenic/Likely pathogenic. Review status: criteria provided, multiple submitters, no conflicts (2 of 4 stars). 2 submissions from 2 submitters: Pathogenic (1); Likely pathogenic (1). Last evaluated 2025-10-18.

Conditions:
Baller-Gerold syndrome (BGS). Also called: CRANIOSYNOSTOSIS WITH RADIAL DEFECTS. Identifiers: Orphanet 1225, MedGen C0265308, MONDO:0009039, OMIM 218600.
Rothmund-Thomson syndrome (RTS). Also called: Poikiloderma of Rothmund-Thomson; Poikiloderma Congenitale. Identifiers: Orphanet 2909, MedGen C0032339, MONDO:0010002.

Allele frequency attached by ClinVar (database versions not stated): TOPMed 0.00001.

Submissions (2):

Labcorp Genetics (formerly Invitae), Labcorp
Classification: Pathogenic for Baller-Gerold syndrome. Last evaluated: 2025-10-18. Review status: criteria provided, single submitter. Criteria: Invitae Variant Classification Sherloc (09022015). Collection method: clinical testing. Allele origin: germline.
Comment: This sequence change creates a premature translational stop signal (p.Tyr363*) in the RECQL4 gene. It is expected to result in an absent or disrupted protein product. Loss-of-function variants in RECQL4 are known to be pathogenic (PMID: 12734318, 12952869). This variant is not present in population databases (gnomAD no frequency). This variant has not been reported in the literature in individuals affected with RECQL4-related conditions. ClinVar contains an entry for this variant (Variation ID: 666982). Algorithms developed to predict the effect of sequence changes on RNA splicing suggest that this variant may disrupt the consensus splice site. For these reasons, this variant has been classified as Pathogenic.

Laboratory for Molecular Medicine, Mass General Brigham Personalized Medicine
Classification: Likely pathogenic for Rothmund-Thomson syndrome. Last evaluated: 2017-09-29. Review status: criteria provided, single submitter. Criteria: LMM Criteria. Collection method: clinical testing. Allele origin: germline. Inheritance: Autosomal recessive inheritance. Observed: 1 variant allele.
Comment: The p.Tyr363X variant in RECQL4 has not been previously reported in individuals with Rothmund-Thomson syndrome. It was absent from large population studies, tho ugh another variant with the same impact (c.1089C>A; p.Tyr363X) has been identif ied in 1/111022 European chromosomes by the Genome Aggregation Database (gnomAD; dbSNP rs761330483). This nonsense variant lea ds to a premature termination codon at position 363, which is predicted to lead to a truncated or absent protein. Biallelic loss of function of the RECQL4 gene has been associated with Rothmund-Thomson syndrome. In summary, although additio nal studies are required to fully establish its clinical significance, the p.Tyr 363X variant is likely pathogenic for Rothmund-Thomson syndrome in an autosomal recessive manner based on a predicted variant effect. ACMG/AMP Criteria applied: PVS1; PM2 (Richards 2015).

Literature cited by the submitters: PubMed 12734318 (cited by Labcorp Genetics (formerly Invitae), Labcorp); PubMed 12952869 (cited by Labcorp Genetics (formerly Invitae), Labcorp).

NM_004260.4(RECQL4):c.1089C>G (p.Tyr363Ter)

Gene: RECQL4 (RecQ like helicase 4; minus strand). Cytogenetic location: 8q24.3.
Variant type: single nucleotide variant.
Coding change: c.1089C>G on transcript NM_004260.4 (MANE Select); coding-DNA position 1089, C replaced by G.
Protein change: p.Tyr363Ter; replaces tyrosine 363 with a stop codon.
Molecular consequence: nonsense.
Genome position (GRCh38, 1-based): chr8:144,516,030, G>C on the plus strand (C>G on the coding strand, the complement: RECQL4 is on the minus strand). VCF-style: chr8-144516030-G-C. GRCh37 (hg19) VCF-style: chr8-145741414-G-C.
Other names: short protein forms Y363*.
Identifiers: ClinVar variation 666982 (VCV000666982.11), dbSNP rs377589237, ClinGen allele CA372688087.